The following is an entry in ClinVar:

NM_004999.4(MYO6):c.52A>G (p.Met18Val)

Gene: MYO6 (myosin VI; plus strand). Cytogenetic location: 6q14.1.
Variant type: single nucleotide variant.
Coding change: c.52A>G on transcript NM_004999.4 (MANE Select); coding-DNA position 52, A replaced by G.
Protein change: p.Met18Val; replaces methionine 18 with valine.
Molecular consequence: missense variant. On other transcripts: non-coding transcript variant (2).
Genome position (GRCh38, 1-based): chr6:75,817,599, A>G. VCF-style: chr6-75817599-A-G. GRCh37 (hg19) VCF-style: chr6-76527316-A-G.
Other names: c.52A>G, p.Met18Val (NM_001300899.2, NM_001368136.1, NM_001368137.1 and 5 more transcripts); short protein forms M18V.
Identifiers: ClinVar variation 504641 (VCV000504641.13), dbSNP rs142516093, ClinGen allele CA3896707.
Genomic context (GRCh38, chr6:75,817,599, plus strand): 5'-CCTTCAAAAATGGAGGATGGAAAGCCCGTTTGGGCGCCACACCCTACAGATGGATTTCAG[A>G]TGGGCAATATTGTGGATATTGGCCCCGACAGCTTAACAATTGAACCCTTGAATCAGAAAG-3'
Protein context (NP_004990.3, residues 8-28): WAPHPTDGFQ[Met18Val]GNIVDIGPDS

ClinVar aggregate classification (germline): Uncertain significance. Review status: criteria provided, multiple submitters, no conflicts (2 of 4 stars). 3 submissions from 3 submitters: Uncertain significance (3). Last evaluated 2021-08-10.

Allele frequency attached by ClinVar (database versions not stated): gnomAD exomes 0.00002 and 0.00007; ExAC 0.00012; gnomAD 0.00030 and 0.00031; TOPMed 0.00033; ESP Exome Variant Server 0.00046; 1000 Genomes Project 30x 0.00047; 1000 Genomes Project 0.00060.

Submissions (3):

Blueprint Genetics
Classification: Uncertain significance. Last evaluated: 2021-08-10. Review status: criteria provided, single submitter. Criteria: ACMG Guidelines, 2015. Collection method: clinical testing. Allele origin: germline.

Labcorp Genetics (formerly Invitae), Labcorp
Classification: Uncertain significance. Last evaluated: 2021-07-06. Review status: criteria provided, single submitter. Criteria: Invitae Variant Classification Sherloc (09022015). Collection method: clinical testing. Allele origin: germline.
Comment: In summary, the available evidence is currently insufficient to determine the role of this variant in disease. Therefore, it has been classified as a Variant of Uncertain Significance. Algorithms developed to predict the effect of sequence changes on RNA splicing suggest that this variant may create or strengthen a splice site. Algorithms developed to predict the effect of missense changes on protein structure and function are either unavailable or do not agree on the potential impact of this missense change (SIFT: "Tolerated"; PolyPhen-2: "Not Available"; Align-GVGD: "Class C0"). ClinVar contains an entry for this variant (Variation ID: 504641). This variant has not been reported in the literature in individuals affected with MYO6-related conditions. This variant is present in population databases (rs142516093, ExAC 0.1%). This sequence change replaces methionine with valine at codon 18 of the MYO6 protein (p.Met18Val). The methionine residue is moderately conserved and there is a small physicochemical difference between methionine and valine.

Laboratory for Molecular Medicine, Mass General Brigham Personalized Medicine
Classification: Uncertain significance. Last evaluated: 2017-04-19. Review status: criteria provided, single submitter. Criteria: LMM Criteria. Collection method: clinical testing. Allele origin: germline. Observed: 1 variant allele.
Comment: Variant classified as Uncertain Significance - Favor Benign. The p.Met18Val vari ant in MYO6 has not been previously reported in individuals with hearing loss, b ut has been identified in 0.14% (15/10404) of African chromosomes by the Exome A ggregation Consortium (ExAC; dbSNP rs142516093). Although this variant has been seen in the general population, its frequency i s not high enough to rule out a pathogenic role. Computational prediction tools suggest that the p.Met18Val variant may not impact the protein, though this info rmation is not predictive enough to rule out pathogenicity. In summary, the clin ical significance of the p.Met18Val variant is uncertain.